The following is an entry in ClinVar:

ClinVar aggregate classification (germline): Uncertain significance (1 of 4 stars; one submission).

Conditions:
Walker-Warburg congenital muscular dystrophy. Also called: Muscular dystrophy-dystroglycanopathy, type A; Walker-Warburg syndrome. Identifiers: Orphanet 899, MedGen C0265221, MONDO:0000171.

Allele frequency attached by ClinVar (database versions not stated): gnomAD exomes below 0.00001; gnomAD 0.00001; ExAC 0.00002.

Submission:

Labcorp Genetics (formerly Invitae), Labcorp
Classification: Uncertain significance for Walker-Warburg congenital muscular dystrophy. Last evaluated: 2023-09-24. Review status: criteria provided, single submitter. Criteria: Invitae Variant Classification Sherloc (09022015). Collection method: clinical testing. Allele origin: germline.
Comment: In summary, the available evidence is currently insufficient to determine the role of this variant in disease. Therefore, it has been classified as a Variant of Uncertain Significance. Advanced modeling of protein sequence and biophysical properties (such as structural, functional, and spatial information, amino acid conservation, physicochemical variation, residue mobility, and thermodynamic stability) has been performed at Invitae for this missense variant, however the output from this modeling did not meet the statistical confidence thresholds required to predict the impact of this variant on FKRP protein function. This variant has not been reported in the literature in individuals affected with FKRP-related conditions. The frequency data for this variant in the population databases is considered unreliable, as metrics indicate poor data quality at this position in the gnomAD database. This sequence change replaces valine, which is neutral and non-polar, with methionine, which is neutral and non-polar, at codon 80 of the FKRP protein (p.Val80Met).

NM_024301.5(FKRP):c.238G>A (p.Val80Met)

Gene: FKRP (fukutin related protein; plus strand). Cytogenetic location: 19q13.32.
Variant type: single nucleotide variant.
Coding change: c.238G>A on transcript NM_024301.5 (MANE Select); coding-DNA position 238, G replaced by A.
Protein change: p.Val80Met; replaces valine 80 with methionine.
Molecular consequence: missense variant.
Genome position (GRCh38, 1-based): chr19:46,755,688, G>A. VCF-style: chr19-46755688-G-A. GRCh37 (hg19) VCF-style: chr19-47258945-G-A.
Other names: c.238G>A, p.Val80Met (NM_001039885.3); short protein forms V80M.
Identifiers: ClinVar variation 2916966 (VCV002916966.1), dbSNP rs747647924, ClinGen allele CA9532132.